The following is an entry in ClinVar:

NM_002582.4(PARN):c.1142A>G (p.Tyr381Cys)

Gene: PARN (poly(A)-specific ribonuclease; minus strand). Cytogenetic location: 16p13.12.
Variant type: single nucleotide variant.
Coding change: c.1142A>G on transcript NM_002582.4 (MANE Select); coding-DNA position 1142, A replaced by G.
Protein change: p.Tyr381Cys; replaces tyrosine 381 with cysteine.
Molecular consequence: missense variant.
Genome position (GRCh38, 1-based): chr16:14,582,231, T>C on the plus strand (A>G on the coding strand, the complement: PARN is on the minus strand). VCF-style: chr16-14582231-T-C. GRCh37 (hg19) VCF-style: chr16-14676088-T-C.
Other names: c.959A>G, p.Tyr320Cys (NM_001134477.3); c.1004A>G, p.Tyr335Cys (NM_001242992.2); short protein forms Y381C, Y335C, Y320C.
Identifiers: ClinVar variation 2930489 (VCV002930489.3), dbSNP rs2507836777, ClinGen allele CA394801710.

ClinVar aggregate classification (germline): Uncertain significance (1 of 4 stars; one submission).

Conditions:
Dyskeratosis congenita, autosomal recessive 6 (DKCB6). Identifiers: MedGen C4225356, MONDO:0014600, OMIM 616353.
Pulmonary fibrosis and/or bone marrow failure, Telomere-related, 4. Also called: PULMONARY FIBROSIS AND/OR BONE MARROW FAILURE SYNDROME, TELOMERE-RELATED, 4. Identifiers: Orphanet 2032, MedGen C4225347, MONDO:0014612, OMIM 616371.

Submission:

Labcorp Genetics (formerly Invitae), Labcorp
Classification: Uncertain significance for Dyskeratosis congenita, autosomal recessive 6; Pulmonary fibrosis and/or bone marrow failure, Telomere-related, 4. Last evaluated: 2023-01-13. Review status: criteria provided, single submitter. Criteria: Invitae Variant Classification Sherloc (09022015). Collection method: clinical testing. Allele origin: germline.
Comment: This variant has not been reported in the literature in individuals affected with PARN-related conditions. This sequence change replaces tyrosine, which is neutral and polar, with cysteine, which is neutral and slightly polar, at codon 381 of the PARN protein (p.Tyr381Cys). This variant is not present in population databases (gnomAD no frequency). Advanced modeling of protein sequence and biophysical properties (such as structural, functional, and spatial information, amino acid conservation, physicochemical variation, residue mobility, and thermodynamic stability) performed at Invitae indicates that this missense variant is expected to disrupt PARN protein function. In summary, the available evidence is currently insufficient to determine the role of this variant in disease. Therefore, it has been classified as a Variant of Uncertain Significance.